The following is an entry in ClinVar:

NC_000022.10:g.(?_24143121)_(24176449_?)dup

Gene: SMARCB1 (SWI/SNF related BAF chromatin remodeling complex subunit B1; plus strand). Cytogenetic location: 22q11.23.
Variant type: Duplication.
Identifiers: ClinVar variation 1003650 (VCV001003650.5).

ClinVar aggregate classification (germline): Uncertain significance (1 of 4 stars; one submission).

Submission:

Labcorp Genetics (formerly Invitae), Labcorp
Classification: Uncertain significance. Last evaluated: 2022-10-13. Review status: criteria provided, single submitter. Criteria: Invitae Variant Classification Sherloc (09022015). Collection method: clinical testing. Allele origin: germline.
Comment: This variant results in a copy number gain of the genomic region encompassing exon(s) 4-9 of the SMARCB1 gene. This region includes the termination codon of the gene. This copy number gain extends beyond the assayed region for this gene and therefore may encompass additional genes. As the precise location of this event is unknown, it may be in tandem or it may be located elsewhere in the genome. This variant has not been reported in the literature in individuals affected with SMARCB1-related conditions. Experimental studies and prediction algorithms are not available or were not evaluated, and the functional significance of this variant is currently unknown. In summary, the available evidence is currently insufficient to determine the role of this variant in disease. Therefore, it has been classified as a Variant of Uncertain Significance.